The following is an entry in ClinVar:

NM_000383.4(AIRE):c.1243C>T (p.His415Tyr)

Gene: AIRE (autoimmune regulator; plus strand). Cytogenetic location: 21q22.3.
Variant type: single nucleotide variant.
Coding change: c.1243C>T on transcript NM_000383.4 (MANE Select); coding-DNA position 1243, C replaced by T.
Protein change: p.His415Tyr; replaces histidine 415 with tyrosine.
Molecular consequence: missense variant.
Genome position (GRCh38, 1-based): chr21:44,293,140, C>T. VCF-style: chr21-44293140-C-T. GRCh37 (hg19) VCF-style: chr21-45713023-C-T.
Other names: short protein forms H415Y.
Identifiers: ClinVar variation 648061 (VCV000648061.6), dbSNP rs752398254, ClinGen allele CA10052002.
Genomic context (GRCh38, chr21:44,293,140, plus strand): 5'-AAGCACCTGCCGGCTCCGCCTTCTGCAGCCCCGCTGCCAGGGCTGGACTCCTCGGCCCTG[C>T]ACCCCCTACTGTGTGTGGGTCCTGAGGGTCAGCAGGTGAGCGGGGAGTGGGGGTCAGGGT-3'
Protein context (NP_000374.1, residues 405-425): PLPGLDSSAL[His415Tyr]PLLCVGPEGQ

ClinVar aggregate classification (germline): Uncertain significance (1 of 4 stars; one submission).

Conditions:
Polyglandular autoimmune syndrome, type 1 (APS1). Also called: Autoimmune polyendocrine syndrome type 1; Autoimmune polyendocrinopathy syndrome, type I; HYPOADRENOCORTICISM WITH HYPOPARATHYROIDISM AND SUPERFICIAL MONILIASIS; PGA I; APS I; AUTOIMMUNE POLYENDOCRINE SYNDROME, TYPE I, WITH OR WITHOUT REVERSIBLE METAPHYSEAL DYSPLASIA. Identifiers: Orphanet 3453, MedGen C0085859, MONDO:0009411, OMIM 240300.

Allele frequency attached by ClinVar (database versions not stated): ExAC below 0.00001; gnomAD exomes below 0.00001 and 0.00001; gnomAD 0.00001.

Submission:

Labcorp Genetics (formerly Invitae), Labcorp
Classification: Uncertain significance for Polyglandular autoimmune syndrome, type 1. Last evaluated: 2021-08-31. Review status: criteria provided, single submitter. Criteria: Invitae Variant Classification Sherloc (09022015). Collection method: clinical testing. Allele origin: germline.
Comment: This sequence change replaces histidine with tyrosine at codon 415 of the AIRE protein (p.His415Tyr). The histidine residue is weakly conserved and there is a moderate physicochemical difference between histidine and tyrosine. The frequency data for this variant in the population databases is considered unreliable, as metrics indicate poor data quality at this position in the ExAC database. This variant has not been reported in the literature in individuals affected with AIRE-related conditions. Algorithms developed to predict the effect of missense changes on protein structure and function (SIFT, PolyPhen-2, Align-GVGD) all suggest that this variant is likely to be tolerated. In summary, the available evidence is currently insufficient to determine the role of this variant in disease. Therefore, it has been classified as a Variant of Uncertain Significance.